The following is an entry in ClinVar:

ClinVar aggregate classification (germline): Uncertain significance (1 of 4 stars; one submission).

Allele frequency attached by ClinVar (database versions not stated): gnomAD 0.00001; gnomAD exomes 0.00001 and 0.00002; ExAC 0.00002; TOPMed 0.00003; ESP Exome Variant Server 0.00008.

Submission:

Labcorp Genetics (formerly Invitae), Labcorp
Classification: Uncertain significance. Last evaluated: 2024-10-22. Review status: criteria provided, single submitter. Criteria: Invitae Variant Classification Sherloc (09022015). Collection method: clinical testing. Allele origin: germline.
Comment: This sequence change replaces alanine, which is neutral and non-polar, with proline, which is neutral and non-polar, at codon 824 of the PTPN23 protein (p.Ala824Pro). This variant is present in population databases (rs148149277, gnomAD 0.002%). This variant has not been reported in the literature in individuals affected with PTPN23-related conditions. ClinVar contains an entry for this variant (Variation ID: 1503892). An algorithm developed to predict the effect of missense changes on protein structure and function outputs the following: PolyPhen-2: "Not Available". The proline amino acid residue is found in multiple mammalian species, which suggests that this missense change does not adversely affect protein function. In summary, the available evidence is currently insufficient to determine the role of this variant in disease. Therefore, it has been classified as a Variant of Uncertain Significance.

NM_015466.4(PTPN23):c.2470G>C (p.Ala824Pro)

Gene: PTPN23 (protein tyrosine phosphatase non-receptor type 23; plus strand). Cytogenetic location: 3p21.31.
Variant type: single nucleotide variant.
Coding change: c.2470G>C on transcript NM_015466.4 (MANE Select); coding-DNA position 2470, G replaced by C.
Protein change: p.Ala824Pro; replaces alanine 824 with proline.
Molecular consequence: missense variant.
Genome position (GRCh38, 1-based): chr3:47,410,268, G>C. VCF-style: chr3-47410268-G-C. GRCh37 (hg19) VCF-style: chr3-47451758-G-C.
Other names: c.2092G>C, p.Ala698Pro (NM_001304482.2); short protein forms A824P, A698P.
Identifiers: ClinVar variation 1503892 (VCV001503892.7), dbSNP rs148149277, ClinGen allele CA2366052.